The following is an entry in ClinVar:

NM_004360.5(CDH1):c.1922A>G (p.Gln641Arg)

Gene: CDH1 (cadherin 1; plus strand). Cytogenetic location: 16q22.1.
Variant type: single nucleotide variant.
Coding change: c.1922A>G on transcript NM_004360.5 (MANE Select); coding-DNA position 1922, A replaced by G.
Protein change: p.Gln641Arg; replaces glutamine 641 with arginine.
Molecular consequence: missense variant. On other transcripts: 5 prime UTR variant (1).
Genome position (GRCh38, 1-based): chr16:68,822,211, A>G. VCF-style: chr16-68822211-A-G. GRCh37 (hg19) VCF-style: chr16-68856114-A-G.
Other names: c.1922A>G (LRG_301t1, NM_004360.4); c.1739A>G, p.Gln580Arg (NM_001317184.2); c.374A>G, p.Gln125Arg (NM_001317185.2); c.-44A>G (NM_001317186.2); short protein forms Q641R, Q580R, Q125R.
Identifiers: ClinVar variation 232981 (VCV000232981.21), dbSNP rs876660113, ClinGen allele CA10580139.

ClinVar aggregate classification (germline): Conflicting classifications of pathogenicity. Review status: criteria provided, conflicting classifications (1 of 4 stars). 6 submissions from 6 submitters: Uncertain significance (5); Benign (1). Last evaluated 2026-06-03.

Conditions:
Hereditary cancer-predisposing syndrome. Also called: Neoplastic Syndromes, Hereditary; Hereditary Cancer Syndrome; Tumor predisposition; Hereditary neoplastic syndrome. Identifiers: Orphanet 140162, MedGen C0027672, MeSH D009386, MONDO:0015356.
Familial cancer of breast. Also called: hereditary breast carcinoma; BREAST CANCER, FAMILIAL; Hereditary breast cancer. Identifiers: Orphanet 227535, MedGen C0346153, MONDO:0016419, OMIM 114480. Disease mechanism: loss of function.
Ovarian cancer. Also called: OVARIAN CANCER, SOMATIC. Identifiers: Orphanet 213500, MedGen C1140680, MONDO:0008170, OMIM 167000.
Hereditary diffuse gastric adenocarcinoma (HDGC). Also called: DIFFUSE GASTRIC AND LOBULAR BREAST CANCER SYNDROME. Identifiers: Orphanet 26106, MedGen C1708349, MONDO:0007648, OMIM 137215.

gnomAD v4.1: 1 of 1,613,968 alleles (0.000062%); no homozygotes.

Submissions (6):

Ambry Genetics
Classification: Benign for Hereditary cancer-predisposing syndrome. Last evaluated: 2026-06-03. Review status: criteria provided, single submitter. Criteria: Ambry Variant Classification Scheme 2023. Collection method: clinical testing. Allele origin: germline.

Quest Diagnostics Nichols Institute San Juan Capistrano
Classification: Uncertain significance. Last evaluated: 2025-05-22. Review status: criteria provided, single submitter. Criteria: Quest Diagnostics criteria. Collection method: clinical testing. Allele origin: unknown.
Comment: The CDH1 c.1922A>G (p.Gln641Arg) variant has been observed in the published literature in a reportedly unaffected individual (PMID: 30287823 (2018)). This variant has not been reported in large, multi-ethnic general populations (Genome Aggregation Database). Analysis of this variant using bioinformatics tools for the prediction of the effect of amino acid changes on protein structure and function yielded predictions that this variant is benign. Based on the available information, we are unable to determine the clinical significance of this variant.

Color Diagnostics, LLC DBA Color Health
Classification: Uncertain significance for Hereditary cancer-predisposing syndrome. Last evaluated: 2024-07-26. Review status: criteria provided, single submitter. Criteria: ACMG Guidelines, 2015. Collection method: clinical testing. Allele origin: germline.
Comment: This missense variant replaces glutamine with arginine at codon 641 of the CDH1 protein. To our knowledge, functional studies have not been reported for this variant. This variant has not been reported in individuals affected with CDH1-related disorders in the literature. This variant has not been identified in the general population by the Genome Aggregation Database (gnomAD). The available evidence is insufficient to determine the role of this variant in disease conclusively. Therefore, this variant is classified as a Variant of Uncertain Significance.

Labcorp Genetics (formerly Invitae), Labcorp
Classification: Uncertain significance for Hereditary diffuse gastric adenocarcinoma. Last evaluated: 2024-07-18. Review status: criteria provided, single submitter. Criteria: Invitae Variant Classification Sherloc (09022015). Collection method: clinical testing. Allele origin: germline.
Comment: This sequence change replaces glutamine, which is neutral and polar, with arginine, which is basic and polar, at codon 641 of the CDH1 protein (p.Gln641Arg). This variant is not present in population databases (gnomAD no frequency). This variant has not been reported in the literature in individuals affected with CDH1-related conditions. ClinVar contains an entry for this variant (Variation ID: 232981). An algorithm developed to predict the effect of missense changes on protein structure and function (PolyPhen-2) suggests that this variant is likely to be tolerated. In summary, the available evidence is currently insufficient to determine the role of this variant in disease. Therefore, it has been classified as a Variant of Uncertain Significance.

Department of Pathology and Laboratory Medicine, Sinai Health System
Classification: Uncertain significance for Familial cancer of breast; Ovarian cancer. Last evaluated: 2021-08-30. Review status: criteria provided, single submitter. Criteria: ACMG Guidelines, 2015. Collection method: clinical testing. Allele origin: germline. Affected: yes.

GeneDx
Classification: Uncertain significance. Last evaluated: 2015-05-27. Review status: criteria provided, single submitter. Criteria: GeneDx Variant Classification (06012015). Collection method: clinical testing. Allele origin: germline. Affected: yes.
Comment: This variant is denoted CDH1 c.1922A>G at the cDNA level, p.Gln641Arg (Q641R) at the protein level, and results in the change of a Glutamine to an Arginine (CAG>CGG). This variant has not, to our knowledge, been published in the literature as pathogenic or benign. CDH1 Gln641Arg was not observed in approximately 6,500 individuals of European and African American ancestry in the NHLBI Exome Sequencing Project, indicating it is not a common benign variant in these populations. Since Glutamine and Arginine differ in some properties, this is considered a semi-conservative amino acid substitution. CDH1 Gln641Arg occurs at a position that is not conserved and is located within the cadherin 5 domain (UniProt). In silico analyses predict that this variant is unlikely to alter protein structure or function. Based on currently available information, it is unclear whether CDH1 Gln641Arg is pathogenic or benign. We consider it to be a variant of uncertain significance.

Literature cited by the submitters: PubMed 30287823 (cited by Quest Diagnostics Nichols Institute San Juan Capistrano).